The following is an entry in ClinVar:

NM_144573.4(NEXN):c.1535A>T (p.Asn512Ile)

Gene: NEXN (nexilin F-actin binding protein; plus strand). Cytogenetic location: 1p31.1.
Variant type: single nucleotide variant.
Coding change: c.1535A>T on transcript NM_144573.4 (MANE Select); coding-DNA position 1535, A replaced by T.
Protein change: p.Asn512Ile; replaces asparagine 512 with isoleucine.
Molecular consequence: missense variant.
Genome position (GRCh38, 1-based): chr1:77,942,084, A>T. VCF-style: chr1-77942084-A-T. GRCh37 (hg19) VCF-style: chr1-78407769-A-T.
Other names: c.1343A>T, p.Asn448Ile (NM_001172309.2); short protein forms N448I, N512I.
Identifiers: ClinVar variation 3229167 (VCV003229167.1), dbSNP rs775488884, ClinGen allele CA340880923.

ClinVar aggregate classification (germline): Uncertain significance (1 of 4 stars; one submission).

Conditions:
Cardiovascular phenotype. Identifiers: MedGen CN230736.

Submission:

Ambry Genetics
Classification: Uncertain significance for Cardiovascular phenotype. Last evaluated: 2023-10-19. Review status: criteria provided, single submitter. Criteria: Ambry Variant Classification Scheme 2023. Collection method: clinical testing. Allele origin: germline.
Comment: The p.N512I variant (also known as c.1535A>T), located in coding exon 11 of the NEXN gene, results from an A to T substitution at nucleotide position 1535. The asparagine at codon 512 is replaced by isoleucine, an amino acid with dissimilar properties. This amino acid position is conserved. In addition, the in silico prediction for this alteration is inconclusive. Since supporting evidence is limited at this time, the clinical significance of this alteration remains unclear.